The following is an entry in ClinVar:

NM_000260.4(MYO7A):c.5221A>G (p.Lys1741Glu)

Gene: MYO7A (myosin VIIA; plus strand). Cytogenetic location: 11q13.5.
Variant type: single nucleotide variant.
Coding change: c.5221A>G on transcript NM_000260.4 (MANE Select); coding-DNA position 5221, A replaced by G.
Protein change: p.Lys1741Glu; replaces lysine 1741 with glutamic acid.
Molecular consequence: missense variant.
Genome position (GRCh38, 1-based): chr11:77,203,112, A>G. VCF-style: chr11-77203112-A-G. GRCh37 (hg19) VCF-style: chr11-76914157-A-G.
Other names: c.5107A>G, p.Lys1703Glu (NM_001127180.2); c.5074A>G, p.Lys1692Glu (NM_001369365.1); short protein forms K1692E, K1703E, K1741E.
Identifiers: ClinVar variation 1339095 (VCV001339095.2), dbSNP rs1957185407, ClinGen allele CA381952146.
Genomic context (GRCh38, chr11:77,203,112, plus strand): 5'-TGCGGCAGGCCCCCACCCAAGCACACGCTGAGCCGTGTCATGGTGTCCAAGGCCCGAGGC[A>G]AGGACCGGCTGTGGAGCCACACGCGGGAACCGCTCAAGCAGGCGCTGCTCAAGAAGCTCC-3'
Protein context (NP_000251.3, residues 1731-1751): SRVMVSKARG[Lys1741Glu]DRLWSHTREP

ClinVar aggregate classification (germline): Uncertain significance (1 of 4 stars; one submission).

Conditions:
Autosomal dominant nonsyndromic hearing loss 11. Identifiers: Orphanet 90635, MedGen C1832475, MONDO:0011032, OMIM 601317.

Allele frequency attached by ClinVar (database versions not stated): gnomAD exomes below 0.00001.
gnomAD v4.1: 1 of 1,549,480 alleles (0.000065%); highest among the groups gnomAD compares: East Asian, 0.0024%; no homozygotes.

Submission:

Neuberg Centre For Genomic Medicine, NCGM
Classification: Uncertain significance for Autosomal dominant nonsyndromic hearing loss 11. Review status: criteria provided, single submitter. Criteria: ACMG Guidelines, 2015. Collection method: clinical testing. Allele origin: germline. Affected: yes.
Comment: The missense variant p.K1741E in MYO7A (NM_000260.4) has not been reported previously as a pathogenic variant nor as a benign variant, to our knowledge. The p.K1741E variant is novel (not in any individuals) in gnomAD Exomes and is novel (not in any individuals) in 1000 Genomes. The p.K1741E missense variant is predicted to be damaging by both SIFT and PolyPhen2. The nucleotide c.5221 in MYO7A is predicted conserved by GERP++ and PhyloP across 100 vertebrates. For these reasons, this variant has been classified as Uncertain Significance.